The following is an entry in ClinVar:

NM_001059.3(TACR3):c.19del (p.Ala7fs)

Gene: TACR3 (tachykinin receptor 3; minus strand). Cytogenetic location: 4q24.
Variant type: Deletion.
Coding change: c.19del on transcript NM_001059.3 (MANE Select); coding-DNA position 19, one base deleted (G; older notation c.19delG).
Protein change: p.Ala7fs; shifts the reading frame from alanine 7.
Molecular consequence: frameshift variant.
Genome position (GRCh38, 1-based): chr4:103,719,657, C deleted on the plus strand (G on the coding strand, the reverse complement: TACR3 is on the minus strand). VCF-style (leftmost placement, unchanged base first): chr4-103719656-GC-G. GRCh37 (hg19) VCF-style: chr4-104640813-GC-G.
Other names: NP_001050.1: p.(Ala7Glnfs*5); short protein forms A7fs.
Identifiers: ClinVar variation 4849262 (VCV004849262.1).

ClinVar aggregate classification (germline): Pathogenic (1 of 4 stars; one submission).

Conditions:
Hypogonadotropic hypogonadism 11 with or without anosmia (HH11). Also called: HYPOGONADOTROPIC HYPOGONADISM 11 WITHOUT ANOSMIA; TACR3-Related GnRH Deficiency. Identifiers: Orphanet 478, MedGen C3553844, MONDO:0013913, OMIM 614840.

Submission:

Centro de Investigaciones Endocrinológicas “Dr. César Bergadá” (CEDIE), Unidad de Investigacion Traslacional (UIT), Hospital de Niños Dr. Ricardo Gutiérrez
Classification: Pathogenic for Hypogonadotropic hypogonadism 11 with or without anosmia. Last evaluated: 2026-04-20. Review status: criteria provided, single submitter. Criteria: Institutional Variant Interpretation Framework ClinVar CEDIE Version 1. Collection method: clinical testing. Allele origin: germline. Affected: yes. Observed: 1 variant allele.
Comment: The variant NM_001059.3: c.19del located in TACR3 exon 1, is a deletion of a base at position 19 of the coding sequence and predicts the substitution of an alanine for a glutamine at position 7 of the protein. This substitution causes a frameshift and the introduction of a premature stop codon, NP_001050.1: p.(Ala7Glnfs*5). This variant has not been previously reported in population databases (GnomAD v4.1; PM2_Supp). Bioinformatics tools predict mRNA degradation and the absence of the gene product due to lack of transcription or nonsense-mediated mRNA degradation (NMD) (PVS1). Additionally, another variant in the same gene, confirmed as trans and likely pathogenic (PM3), was prioritized. The patient's clinical phenotype is highly specific and consistent with the phenotypic spectrum associated with pathogenic variants in the TACR3 (PP4) gene. In summary, the available evidence supports the classification of this variant as Pathogenic (PM2_supporting, PVS1,PM3, PP4) according to ACMG criteria and the recommendations of the ClinGen Sequence Variant Interpretation Working Group (SVI WG).